The following is an entry in ClinVar:

ClinVar aggregate classification (germline): Likely benign (0 of 4 stars; one submission).

Conditions:
DLG5-related disorder. Also called: DLG5-related condition.

gnomAD v4.1: 161 of 1,614,162 alleles (0.01%); highest among the groups gnomAD compares: East Asian, 0.038%; no homozygotes.

Submission:

PreventionGenetics, part of Exact Sciences
Classification: Likely benign for DLG5-related condition. Last evaluated: 2024-04-19. Review status: no assertion criteria provided. Collection method: clinical testing. Allele origin: germline.
Comment: This variant is classified as likely benign based on ACMG/AMP sequence variant interpretation guidelines (Richards et al. 2015 PMID: 25741868, with internal and published modifications).

NM_004747.4(DLG5):c.2284G>A (p.Val762Ile)

Gene: DLG5 (discs large MAGUK scaffold protein 5; minus strand). Cytogenetic location: 10q22.3.
Variant type: single nucleotide variant.
Coding change: c.2284G>A on transcript NM_004747.4 (MANE Select); coding-DNA position 2284, G replaced by A.
Protein change: p.Val762Ile; replaces valine 762 with isoleucine.
Molecular consequence: missense variant.
Genome position (GRCh38, 1-based): chr10:77,828,887, C>T on the plus strand (G>A on the coding strand, the complement: DLG5 is on the minus strand). VCF-style: chr10-77828887-C-T. GRCh37 (hg19) VCF-style: chr10-79588645-C-T.
Other names: short protein forms V762I.
Identifiers: ClinVar variation 3351818 (VCV003351818.1).
Genomic context (GRCh38, chr10:77,828,887, plus strand): 5'-AAATGTAATCTGCCTATGCACGGCAGATGACCCTGGCTCCAGCCTTGAGACTTACCGCAA[C>T]GATCCTGTCTCCCACAGCAAGGGACCCTTCTTTAGCGGCAGGGCTTCCAGGCAGCACAGC-3'
Protein context (NP_004738.3, residues 752-772): EGSLAVGDRI[Val762Ile]AINGIALDNK